The following is an entry in ClinVar:

NM_147127.5(EVC2):c.3593A>T (p.Lys1198Ile)

Gene: EVC2 (EvC ciliary complex subunit 2; minus strand). Cytogenetic location: 4p16.2.
Variant type: single nucleotide variant.
Coding change: c.3593A>T on transcript NM_147127.5 (MANE Select); coding-DNA position 3593, A replaced by T.
Protein change: p.Lys1198Ile; replaces lysine 1198 with isoleucine.
Molecular consequence: missense variant.
Genome position (GRCh38, 1-based): chr4:5,565,324, T>A on the plus strand (A>T on the coding strand, the complement: EVC2 is on the minus strand). VCF-style: chr4-5565324-T-A. GRCh37 (hg19) VCF-style: chr4-5567051-T-A.
Other names: c.3353A>T, p.Lys1118Ile (NM_001166136.2); short protein forms K1118I, K1198I.
Identifiers: ClinVar variation 3759820 (VCV003759820.2).
Genomic context (GRCh38, chr4:5,565,324, plus strand): 5'-TTTCTCTTGCGGGCCCACAGCATCTTTTCTAATCCTCTGCTTATCAGATCTCCTCGCAGT[T>A]TGCCATCTAAGGCTTGCCACCAGCTCTGGTGTTTCCTGCAGGCAAGAAGGGAGTCTTATA-3'
Protein context (NP_667338.3, residues 1188-1208): HQSWWQALDG[Lys1198Ile]LRGDLISRGL

ClinVar aggregate classification (germline): Uncertain significance (1 of 4 stars; one submission).

Conditions:
Curry-Hall syndrome (WAD). Also called: WEYERS ACRODENTAL DYSOSTOSIS. Identifiers: Orphanet 952, MedGen C0457013, MONDO:0008673, OMIM 193530.
Ellis-van Creveld syndrome (EVC). Also called: EVC-Related Ellis-van Creveld Syndrome; EVC2-Related Ellis-van Creveld Syndrome; MESOECTODERMAL DYSPLASIA; Chondroectodermal dysplasia. Identifiers: Orphanet 289, MedGen C0013903, MONDO:0009162, OMIM 225500.

gnomAD v4.1: 1 of 1,614,108 alleles (0.000062%); highest among the groups gnomAD compares: East Asian, 0.0022%; no homozygotes.

Submission:

Labcorp Genetics (formerly Invitae), Labcorp
Classification: Uncertain significance for Curry-Hall syndrome; Ellis-van Creveld syndrome. Last evaluated: 2024-11-19. Review status: criteria provided, single submitter. Criteria: Invitae Variant Classification Sherloc (09022015). Collection method: clinical testing. Allele origin: germline.
Comment: This sequence change replaces lysine, which is basic and polar, with isoleucine, which is neutral and non-polar, at codon 1198 of the EVC2 protein (p.Lys1198Ile). This variant is not present in population databases (gnomAD no frequency). This variant has not been reported in the literature in individuals affected with EVC2-related conditions. An algorithm developed to predict the effect of missense changes on protein structure and function (PolyPhen-2) suggests that this variant is likely to be disruptive. In summary, the available evidence is currently insufficient to determine the role of this variant in disease. Therefore, it has been classified as a Variant of Uncertain Significance.